The following is an entry in ClinVar:

NM_001363711.2(DUOX2):c.2401G>A (p.Ala801Thr)

Gene: DUOX2 (dual oxidase 2; minus strand). Cytogenetic location: 15q21.1.
Variant type: single nucleotide variant.
Coding change: c.2401G>A on transcript NM_001363711.2 (MANE Select); coding-DNA position 2401, G replaced by A.
Protein change: p.Ala801Thr; replaces alanine 801 with threonine.
Molecular consequence: missense variant.
Genome position (GRCh38, 1-based): chr15:45,104,299, C>T on the plus strand (G>A on the coding strand, the complement: DUOX2 is on the minus strand). VCF-style: chr15-45104299-C-T. GRCh37 (hg19) VCF-style: chr15-45396497-C-T.
Other names: c.2401G>A, p.Ala801Thr (NM_014080.5); short protein forms A801T.
Identifiers: ClinVar variation 1995617 (VCV001995617.1), dbSNP rs1051399119, ClinGen allele CA270128279.
Genomic context (GRCh38, chr15:45,104,299, plus strand): 5'-CCTGGGGCTTGAGGCCCAGGGACTCGGCAAACTCGGCCCTGCTCAGCTCGCAGGTCAGGG[C>T]CTCCCGCACCTTCTGGGAGGAGTCCAGGGGCAGGGTCCCTGCGTCGGCCTGGTTGATGTC-3'
Protein context (NP_001350640.1, residues 791-811): PLDSSQKVRE[Ala801Thr]LTCELSRAEF

ClinVar aggregate classification (germline): Uncertain significance (1 of 4 stars; one submission).

gnomAD v4.1: 7 of 1,614,062 alleles (0.00043%); highest among the groups gnomAD compares: South Asian, 0.0011%; no homozygotes.

Submission:

Labcorp Genetics (formerly Invitae), Labcorp
Classification: Uncertain significance. Last evaluated: 2022-03-13. Review status: criteria provided, single submitter. Criteria: Invitae Variant Classification Sherloc (09022015). Collection method: clinical testing. Allele origin: germline.
Comment: This sequence change replaces alanine, which is neutral and non-polar, with threonine, which is neutral and polar, at codon 801 of the DUOX2 protein (p.Ala801Thr). This variant is not present in population databases (gnomAD no frequency). This variant has not been reported in the literature in individuals affected with DUOX2-related conditions. Advanced modeling of protein sequence and biophysical properties (such as structural, functional, and spatial information, amino acid conservation, physicochemical variation, residue mobility, and thermodynamic stability) performed at Invitae indicates that this missense variant is not expected to disrupt DUOX2 protein function. In summary, the available evidence is currently insufficient to determine the role of this variant in disease. Therefore, it has been classified as a Variant of Uncertain Significance.